The following is an entry in ClinVar:

NM_000748.3(CHRNB2):c.88G>A (p.Glu30Lys)

Gene: CHRNB2 (cholinergic receptor nicotinic beta 2 subunit; plus strand). Cytogenetic location: 1q21.3.
Variant type: single nucleotide variant.
Coding change: c.88G>A on transcript NM_000748.3 (MANE Select); coding-DNA position 88, G replaced by A.
Protein change: p.Glu30Lys; replaces glutamic acid 30 with lysine.
Molecular consequence: missense variant.
Genome position (GRCh38, 1-based): chr1:154,569,485, G>A. VCF-style: chr1-154569485-G-A. GRCh37 (hg19) VCF-style: chr1-154541961-G-A.
Other names: short protein forms E30K.
Identifiers: ClinVar variation 971392 (VCV000971392.11), dbSNP rs199919525, ClinGen allele CA30832910.
Genomic context (GRCh38, chr1:154,569,485, plus strand): 5'-TGCCTGCTTACTTTCGTCCTGCCTTTCCCCTGCCCAGGGGTGTGGGGTACGGATACAGAG[G>A]AGCGGCTGGTGGAGCATCTCCTGGATCCTTCCCGCTACAACAAGCTTATCCGCCCAGCCA-3'
Protein context (NP_000739.1, residues 20-40): CSGVWGTDTE[Glu30Lys]RLVEHLLDPS

ClinVar aggregate classification (germline): Uncertain significance. Review status: criteria provided, single submitter (1 of 4 stars). 2 submissions from 2 submitters: Uncertain significance (1). 1 of the submissions does not count toward it. Last evaluated 2024-02-13.

Conditions:
Familial sleep-related hypermotor epilepsy. Also called: Autosomal Dominant Sleep-Related Hypermotor (Hyperkinetic) Epilepsy. Identifiers: Orphanet 98784, MedGen C3696898, MONDO:0000030.
CHRNB2-related disorder. Also called: CHRNB2-related condition.

Allele frequency attached by ClinVar (database versions not stated): gnomAD 0.00001; TOPMed 0.00002.

Submissions (2):

Labcorp Genetics (formerly Invitae), Labcorp
Classification: Uncertain significance. Last evaluated: 2024-02-13. Review status: criteria provided, single submitter. Criteria: Invitae Variant Classification Sherloc (09022015). Collection method: clinical testing. Allele origin: germline.
Comment: This sequence change replaces glutamic acid, which is acidic and polar, with lysine, which is basic and polar, at codon 30 of the CHRNB2 protein (p.Glu30Lys). This variant is not present in population databases (gnomAD no frequency). This variant has not been reported in the literature in individuals affected with CHRNB2-related conditions. ClinVar contains an entry for this variant (Variation ID: 971392). Advanced modeling of protein sequence and biophysical properties (such as structural, functional, and spatial information, amino acid conservation, physicochemical variation, residue mobility, and thermodynamic stability) performed at Invitae indicates that this missense variant is not expected to disrupt CHRNB2 protein function with a negative predictive value of 80%. In summary, the available evidence is currently insufficient to determine the role of this variant in disease. Therefore, it has been classified as a Variant of Uncertain Significance.

PreventionGenetics, part of Exact Sciences
Classification: Uncertain significance for CHRNB2-related condition. Last evaluated: 2024-05-22. Review status: no assertion criteria provided. Collection method: clinical testing. Allele origin: germline. Not counted in ClinVar's aggregate classification.
Comment: The CHRNB2 c.88G>A variant is predicted to result in the amino acid substitution p.Glu30Lys. To our knowledge, this variant has not been reported in the literature or in a large population database, indicating this variant is rare. At this time, the clinical significance of this variant is uncertain due to the absence of conclusive functional and genetic evidence.